The following is an entry in ClinVar:

ClinVar aggregate classification (germline): Benign/Likely benign. Review status: criteria provided, multiple submitters, no conflicts (2 of 4 stars). 3 submissions from 3 submitters: Benign (2); Likely benign (1). Last evaluated 2026-02-01.

Conditions:
Pityriasis rubra pilaris (PRP). Also called: Pityriasis rubra pilaris--familial type. Identifiers: Orphanet 2897, MedGen C0032027, MONDO:0100017, OMIM 173200, MONDO:0008251.
Psoriasis 2. Identifiers: MedGen C1864497, MONDO:0011269, OMIM 602723.

Submissions (3):

Labcorp Genetics (formerly Invitae), Labcorp
Classification: Benign for Pityriasis rubra pilaris; Psoriasis 2. Last evaluated: 2026-02-01. Review status: criteria provided, single submitter. Criteria: Invitae Variant Classification Sherloc (09022015). Collection method: clinical testing. Allele origin: germline.

Women's Health and Genetics/Laboratory Corporation of America, LabCorp
Classification: Benign. Last evaluated: 2025-07-31. Review status: criteria provided, single submitter. Criteria: LabCorp Variant Classification Summary - May 2015. Collection method: clinical testing. Allele origin: germline.
Comment: Variant summary: CARD14 c.1356+18_1356+19delGC is located at a position not widely known to affect splicing. Consensus agreement among computation tools predicts no significant impact on normal splicing. However, these predictions have yet to be confirmed by functional studies. The variant allele was found at a frequency of 0.00043 in 247142 control chromosomes in the gnomAD database, including 1 homozygote. The observed variant frequency is approximately 40-fold of the estimated maximal expected allele frequency for a pathogenic variant in CARD14 causing Pityriasis rubra pilaris phenotype (1e-05). To our knowledge, no occurrence of c.1356+18_1356+19delGC in individuals affected with Pityriasis rubra pilaris and no experimental evidence demonstrating its impact on protein function have been reported. ClinVar contains an entry for this variant (Variation ID: 1600659). Based on the evidence outlined above, the variant was classified as benign.

Blueprint Genetics
Classification: Likely benign. Last evaluated: 2024-11-06. Review status: criteria provided, single submitter. Criteria: ACMG Guidelines, 2015. Collection method: clinical testing. Allele origin: germline.

NM_001366385.1(CARD14):c.1356+18_1356+19del

Gene: CARD14 (caspase recruitment domain family member 14; plus strand). Cytogenetic location: 17q25.3.
Variant type: Deletion.
Coding change: c.1356+18_1356+19del on transcript NM_001366385.1 (MANE Select); bases 18 to 19 of the intron after coding-DNA position 1356, 2 bases deleted (GC; older notation c.1356+18_1356+19delGC).
Molecular consequence: intron variant.
Genome position (GRCh38, 1-based): chr17:80,192,637-80,192,638, GC deleted; deleting any 2 consecutive bases within chr17:80,192,636-80,192,638 gives the same sequence; the c. name uses the placement nearest the transcript's 3' end. VCF-style (leftmost placement, unchanged base first): chr17-80192635-CCG-C. GRCh37 (hg19) VCF-style: chr17-78166434-CCG-C.
Other names: c.1356+18_1356+19del (NM_024110.4, NM_001257970.1); c.645+18_645+19del (NM_052819.3); c.1356+18_1356+19delGC (NM_024110.4).
Identifiers: ClinVar variation 1600659 (VCV001600659.10), dbSNP rs756509461, ClinGen allele CA8816776.
Genomic context (GRCh38, chr17:80,192,635, plus strand): 5'-TGCCCCAGAGACGACAGCGACTGCAGCCTCGTCAGCTCCACAGAGGTACGGCCGCTCCTC[CCG>C]CCTCCCTCACTGCCTTGACCCTCTGGGCCAGCCCAGGGGCCTCTCTGTCAGGACGAAAGT-3'